The following is an entry in ClinVar:

NM_001379081.2(FREM1):c.346A>G (p.Thr116Ala)

Gene: FREM1 (FRAS1 related extracellular matrix 1; minus strand). Cytogenetic location: 9p22.3.
Variant type: single nucleotide variant.
Coding change: c.346A>G on transcript NM_001379081.2 (MANE Select); coding-DNA position 346, A replaced by G.
Protein change: p.Thr116Ala; replaces threonine 116 with alanine.
Molecular consequence: missense variant. On other transcripts: non-coding transcript variant (4).
Genome position (GRCh38, 1-based): chr9:14,859,468, T>C on the plus strand (A>G on the coding strand, the complement: FREM1 is on the minus strand). VCF-style: chr9-14859468-T-C. GRCh37 (hg19) VCF-style: chr9-14859466-T-C.
Other names: c.346A>G, p.Thr116Ala (NM_001370060.1, NM_001370063.1, NM_001370065.1 and 1 more transcripts); c.346A>G (NM_144966.5); short protein forms T116A.
Identifiers: ClinVar variation 3340449 (VCV003340449.1).

ClinVar aggregate classification (germline): Uncertain significance (1 of 4 stars; one submission).

Submission:

Seattle Children's Hospital Molecular Genetics Laboratory, Seattle Children's Hospital
Classification: Uncertain significance. Review status: criteria provided, single submitter. Criteria: ACMG Guidelines, 2015. Collection method: clinical testing. Allele origin: germline. Affected: yes.
Comment: A variant of uncertain clinical significance was identified in the FREM1 gene. This variant is absent from the medical literature, patient databases, and large population studies (gnomAD v2.1.1). Notably, two other variants at the same amino acid position (p.Thr116Ser and p.Thr116Ile) are present in large population studies at very low frequencies. The p.Thr116Ser variant is also present in a patient database (ClinVar Variation ID: 1520000). Computational tools have conflicting predictions about the possible impact of the p.Thr116Ala change on protein function.